The following is an entry in ClinVar:

ClinVar aggregate classification (germline): Uncertain significance (1 of 4 stars; one submission).

Submission:

Illumina Laboratory Services, Illumina
Classification: Uncertain significance. Last evaluated: 2020-11-03. Review status: criteria provided, single submitter. Criteria: ICSL CNVClassificationCriteria Aug2020. Collection method: clinical testing. Allele origin: unknown.
Comment: This CNV is a 491 kb deletion of 9p24.3 on chromosome 9, (seq[GRCh37]del(9)(p24.3pter); chr9:g.204053_695537del). Deletions of 9p24.3 of varying sizes have been described in multiple publications. Lerer et al. (2005) first described a four-generation family in which nine individuals displayed congenital hypotonia that evolved to spastic quadriplegia and varying degrees of intellectual disability. Of the genotyped individuals in the family, 15 were identified to carry a ~225 kb heterozygous deletion at 9p24.3 that deleted only the KANK1 gene. Of these 15 individuals, six were affected and had inherited the deletion from their healthy fathers, whereas nine were healthy and had inherited the deletion from their healthy mothers. This, together with methylation studies, led the authors to propose a parent-of-origin effect and identifying the KANK1 gene as the primary gene of interest. However, subsequent case reports of deletions at 9p24.3 have been variable regarding the phenotypes of the presenting patients and the proposed pathogenicity of the deletions. Further, subsequent case reports have not consistently supported the parent-of-origin model (Vanzo et al. 2013; Tassano et al. 2016); a review article by Wallis et al. (2019) summarized these conflicting results and provided evidence that there was almost certainly no significant difference in the frequencies of heterozygous 9p24.3 deletions involving the KANK1 gene (and sometimes also the DOCK8 gene) between cases and controls. Vanzo et al. (2019) reported 16 patients (15 not previously reported) with deletions encompassing KANK1 from a laboratory database of more than 22,000 patients who pursued chromosomal microarray (CMA) for routine indications. The phenotypes of individuals with deletions at 9p24.3 included ASD and/or developmental and/or intellectual disability leading the authors to conclude that the clinical implications of deletions at 9p24.3 encompassing KANK1 may represent a risk factor for autism spectrum disorders, but do not frequently cause a highly-penetrant cerebral palsy-like phenotype. Based on the conflicting evidence in the literature regarding the inheritance mode and phenotype associated with 9p24.3 deletions, this CNV is classified as a variant of uncertain significance.

Literature cited by the submitters: PubMed 16301218; PubMed 23454270; PubMed 26656975; PubMed 29729439; PubMed 30684669.

GRCh37/hg19 9p24.3(chr9:204053-695537)x1

Genes: DOCK8 (dedicator of cytokinesis 8; plus strand), DOCK8-AS1 (DOCK8 antisense RNA 1; minus strand), KANK1 (KN motif and ankyrin repeat domains 1; plus strand). Cytogenetic location: 9p24.3.
Variant type: copy number loss.
Change: copy number 1 (one copy instead of two) of chr9:204,053-695,537 (491.5 kb, GRCh37 coordinates, 1-based), cytogenetic band 9p24.3.
Identifiers: ClinVar variation 988940 (VCV000988940.4).